The following is an entry in ClinVar:

NM_001375567.1(FOCAD):c.1613G>A (p.Arg538Gln)

Gene: FOCAD (focadhesin; plus strand). Cytogenetic location: 9p21.3.
Variant type: single nucleotide variant.
Coding change: c.1613G>A on transcript NM_001375567.1 (MANE Select); coding-DNA position 1613, G replaced by A.
Protein change: p.Arg538Gln; replaces arginine 538 with glutamine.
Molecular consequence: missense variant.
Genome position (GRCh38, 1-based): chr9:20,820,376, G>A. VCF-style: chr9-20820376-G-A. GRCh37 (hg19) VCF-style: chr9-20820375-G-A.
Other names: c.1508G>A, p.Arg503Gln (NM_001375568.1, NM_001375570.1); c.1613G>A, p.Arg538Gln (NM_017794.5); short protein forms R503Q, R538Q.
Identifiers: ClinVar variation 2458893 (VCV002458893.4), dbSNP rs551102582, ClinGen allele CA5006785.

ClinVar aggregate classification (germline): Conflicting classifications of pathogenicity. Review status: criteria provided, conflicting classifications (1 of 4 stars). 2 submissions from 2 submitters: Uncertain significance (1); Likely benign (1). Last evaluated 2024-11-12.

Conditions:
Inborn genetic diseases. Identifiers: MedGen C0950123, MeSH D030342.

Allele frequency attached by ClinVar (database versions not stated): gnomAD exomes 0.00002; TOPMed 0.00005; ExAC 0.00006; gnomAD 0.00006; 1000 Genomes Project 0.00020; 1000 Genomes Project 30x 0.00031.
gnomAD v4.1: 36 of 1,612,820 alleles (0.0022%); highest among the groups gnomAD compares: Admixed American, 0.015%; no homozygotes.

Submissions (2):

Labcorp Genetics (formerly Invitae), Labcorp
Classification: Uncertain significance. Last evaluated: 2024-11-12. Review status: criteria provided, single submitter. Criteria: Invitae Variant Classification Sherloc (09022015). Collection method: clinical testing. Allele origin: germline.
Comment: This sequence change replaces arginine, which is basic and polar, with glutamine, which is neutral and polar, at codon 538 of the FOCAD protein (p.Arg538Gln). This variant is present in population databases (rs551102582, gnomAD 0.02%). This variant has not been reported in the literature in individuals affected with FOCAD-related conditions. ClinVar contains an entry for this variant (Variation ID: 2458893). Experimental studies and prediction algorithms are not available or were not evaluated, and the functional significance of this variant is currently unknown. In summary, the available evidence is currently insufficient to determine the role of this variant in disease. Therefore, it has been classified as a Variant of Uncertain Significance.

Ambry Genetics
Classification: Likely benign for Inborn genetic diseases. Last evaluated: 2023-01-23. Review status: criteria provided, single submitter. Criteria: Ambry Variant Classification Scheme 2023. Collection method: clinical testing. Allele origin: germline.